The following is an entry in ClinVar:

NM_001127222.2(CACNA1A):c.4028C>A (p.Ser1343Tyr)

Gene: CACNA1A (calcium voltage-gated channel subunit alpha1 A; minus strand). Cytogenetic location: 19p13.13.
Variant type: single nucleotide variant.
Coding change: c.4028C>A on transcript NM_001127222.2 (MANE Select); coding-DNA position 4028, C replaced by A.
Protein change: p.Ser1343Tyr; replaces serine 1343 with tyrosine.
Molecular consequence: missense variant.
Genome position (GRCh38, 1-based): chr19:13,262,795, G>T on the plus strand (C>A on the coding strand, the complement: CACNA1A is on the minus strand). VCF-style: chr19-13262795-G-T. GRCh37 (hg19) VCF-style: chr19-13373609-G-T.
Other names: c.4040C>A, p.Ser1347Tyr (NM_000068.4, NM_023035.3); c.4031C>A, p.Ser1344Tyr (NM_001127221.2, NM_001174080.2); short protein forms S1343Y, S1344Y, S1347Y.
Identifiers: ClinVar variation 976218 (VCV000976218.4), dbSNP rs2056767982, ClinGen allele CA404340027.
Genomic context (GRCh38, chr19:13,262,795, plus strand): 5'-TTGAGCTTTGGCAGCCGCTTGATGGTTTTAAGAGGTCGTAGCACCCGGAGGACTCGGAGG[G>T]ATTTAATCGTGTTGATGTCTTTTCCTTTGCTATTGCCACTGTGGAGGAATGTTTAGGTGG-3'
Protein context (NP_001120694.1, residues 1333-1353): SKGKDINTIK[Ser1343Tyr]LRVLRVLRPL

ClinVar aggregate classification (germline): Conflicting classifications of pathogenicity. Review status: criteria provided, conflicting classifications (1 of 4 stars). 3 submissions from 2 submitters: Likely pathogenic (2); Uncertain significance (1). Last evaluated 2023-06-07.

Conditions:
Migraine, familial hemiplegic, 1. Also called: MIGRAINE, FAMILIAL HEMIPLEGIC 1, WITH PROGRESSIVE CEREBELLAR ATAXIA. Identifiers: Orphanet 569, MedGen C1832884, MONDO:0020756, OMIM 141500, MONDO:0007714.
Spinocerebellar ataxia type 6 (SCA6). Identifiers: Orphanet 98758, MedGen C0752124, MONDO:0008457, OMIM 183086.
Episodic ataxia type 2 (EA2). Also called: CEREBELLAR ATAXIA, PAROXYSMAL, ACETAZOLAMIDE-RESPONSIVE; CEREBELLOPATHY, HEREDITARY PAROXYSMAL; EPISODIC ATAXIA, NYSTAGMUS-ASSOCIATED; ACETAZOLAMIDE-RESPONSIVE HEREDITARY PAROXYSMAL CEREBELLAR ATAXIA; ATAXIA, EPISODIC, WITH NYSTAGMUS; ATAXIA, FAMILIAL PAROXYSMAL. Identifiers: Orphanet 97, MedGen C1720416, MONDO:0007163, OMIM 108500.
Developmental and epileptic encephalopathy, 52 (DEE52). Also called: Epileptic encephalopathy, early infantile, 52. Identifiers: MedGen C4479236, MONDO:0033361, OMIM 617350.
Developmental and epileptic encephalopathy, 2 (DEE2). Also called: INFANTILE SPASM SYNDROME, X-LINKED 2; CDKL5 deficiency disorder. Identifiers: Orphanet 1934, Orphanet 3451, Orphanet 505652, MedGen C4750718, MONDO:0010396, OMIM 300672.
Developmental and epileptic encephalopathy, 42 (DEE42A). Also called: Epileptic encephalopathy, early infantile, 42; DEVELOPMENTAL AND EPILEPTIC ENCEPHALOPATHY 42A; EPILEPTIC ENCEPHALOPATHY, EARLY INFANTILE, 42A. Identifiers: MedGen C4310716, MONDO:0014917, OMIM 617106.

Submissions (3):

Institute of Human Genetics, University of Leipzig Medical Center
Classification: Likely pathogenic for Developmental and epileptic encephalopathy, 2. Last evaluated: 2023-06-07. Review status: criteria provided, single submitter. Criteria: ACMG Guidelines, 2015. Collection method: clinical testing. Allele origin: de novo. Inheritance: Autosomal dominant inheritance. Affected: yes.
Comment: Criteria applied: PS2_MOD,PM5,PS4_SUP,PM2_SUP,PP2,PP3

Wendy Chung Laboratory, Boston Children's Hospital
Classification: Likely pathogenic for Developmental and epileptic encephalopathy, 52; Episodic ataxia type 2; Migraine, familial hemiplegic, 1; Spinocerebellar ataxia type 6. Last evaluated: 2022-03-20. Review status: criteria provided, single submitter. Criteria: ACMG Guidelines, 2015. Collection method: clinical testing. Allele origin: de novo. Affected: yes.

Institute of Human Genetics, University of Leipzig Medical Center
Classification: Uncertain significance for Developmental and epileptic encephalopathy, 42. Last evaluated: 2017-06-29. Review status: criteria provided, single submitter. Criteria: ACMG Guidelines, 2015. Collection method: clinical testing. Allele origin: germline. Affected: yes. Observed: 1 variant allele.